The following is an entry in ClinVar:

NM_001386298.1(CIC):c.1869G>A (p.Ser623=)

Gene: CIC (capicua transcriptional repressor; plus strand). Cytogenetic location: 19q13.2.
Variant type: single nucleotide variant.
Coding change: c.1869G>A on transcript NM_001386298.1 (MANE Select); coding-DNA position 1869, G replaced by A.
Protein change: p.Ser623=; no amino-acid change (serine 623 retained).
Molecular consequence: synonymous variant.
Genome position (GRCh38, 1-based): chr19:42,273,652, G>A. VCF-style: chr19-42273652-G-A. GRCh37 (hg19) VCF-style: chr19-42777804-G-A.
Other names: c.1869G>A, p.Ser623= (NM_001304815.2, NM_001379480.1, NM_001379482.1 and 1 more transcripts).
Identifiers: ClinVar variation 2649959 (VCV002649959.24), dbSNP rs1181912349, ClinGen allele CA507702273.

ClinVar aggregate classification (germline): Likely benign (1 of 4 stars; one submission).

Allele frequency attached by ClinVar (database versions not stated): gnomAD exomes 0.00001.
gnomAD v4.1: 2 of 398,748 alleles (0.0005%); highest among the groups gnomAD compares: Non-Finnish European, 0.00088%; no homozygotes.

Submission:

CeGaT Center for Human Genetics Tuebingen
Classification: Likely benign. Last evaluated: 2023-05-01. Review status: criteria provided, single submitter. Criteria: CeGaT Center For Human Genetics Tuebingen Variant Classification Criteria Version 2. Collection method: clinical testing. Allele origin: germline. Affected: yes. Observed: 1 variant allele.
Comment: CIC: BP4, BP7